The following is an entry in ClinVar:

NM_000216.4(ANOS1):c.1449+1G>A

Gene: ANOS1 (anosmin 1; minus strand). Cytogenetic location: Xp22.31.
Variant type: single nucleotide variant.
Coding change: c.1449+1G>A on transcript NM_000216.4 (MANE Select); the canonical splice donor site of the intron after coding-DNA position 1449, G replaced by A.
Molecular consequence: splice donor variant.
Genome position (GRCh38, 1-based): chrX:8,539,663, C>T on the plus strand (G>A on the coding strand, the complement: ANOS1 is on the minus strand). VCF-style: chrX-8539663-C-T. GRCh37 (hg19) VCF-style: chrX-8507704-C-T.
Identifiers: ClinVar variation 658717 (VCV000658717.12), dbSNP rs1601946139, ClinGen allele CA411989977.
Genomic context (GRCh38, chrX:8,539,663, plus strand): 5'-TGTACATCCTCCTGTCTAATTATGTTCACAGATCAAGTTGGCCTAGAGATCATGTCCTTA[C>T]GTGGGTCATGCCAGATGATGCCTCTGATCCGGTTGTTCTGTTGTGGGCACACGCTTCAGG-3'

ClinVar aggregate classification (germline): Pathogenic/Likely pathogenic. Review status: criteria provided, multiple submitters, no conflicts (2 of 4 stars). 4 submissions from 4 submitters: Pathogenic (3); Likely pathogenic (1). Last evaluated 2025-04-16.

Conditions:
Hypogonadotropic hypogonadism. Also called: Low gonadotropins (secondary hypogonadism); Hypogonadotrophic hypogonadism; Isolated hypogonadotropic hypogonadism; Hypogonadotropic hypogonadism with or without anosmia. Identifiers: Orphanet 432, MedGen C0271623, MONDO:0018555, HP:0000044.
Hypogonadotropic hypogonadism 1 with or without anosmia (HH1). Also called: HYPOGONADOTROPIC HYPOGONADISM AND ANOSMIA; HYPOGONADOTROPIC HYPOGONADISM 1 WITH ANOSMIA; KAL1-Related GnRH Deficiency (Kallmann Syndrome 1; Kallmann Syndrome, X-Linked); Hypogonadotropic hypogonadism 1 with or without anosmia (Kallmann syndrome 1); Kallmann syndrome, type 1, X-linked; DYSPLASIA OLFACTOGENITALIS OF DE MORSIER. Identifiers: Orphanet 478, MedGen C1563719, MONDO:0010635, OMIM 308700. Disease mechanism: loss of function.

Submissions (4):

GeneDx
Classification: Pathogenic. Last evaluated: 2025-04-16. Review status: criteria provided, single submitter. Criteria: GeneDx Variant Classification Process June 2021. Collection method: clinical testing. Allele origin: germline. Affected: yes.
Comment: Canonical splice site variant predicted to result in a null allele in a gene for which loss of function is a known mechanism of disease; Not observed at significant frequency in large population cohorts (gnomAD); This variant is associated with the following publications: (PMID: 36917044, 36268624, 28915117)

NHS Central & South Genomic Laboratory Hub
Classification: Pathogenic for Hypogonadotropic hypogonadism. Last evaluated: 2024-07-01. Review status: criteria provided, single submitter. Criteria: ACMG Guidelines, 2015. Collection method: clinical testing. Allele origin: germline. Affected: yes.

Women's Health and Genetics/Laboratory Corporation of America, LabCorp
Classification: Pathogenic for Hypogonadotropic hypogonadism 1 with or without anosmia. Last evaluated: 2024-05-29. Review status: criteria provided, single submitter. Criteria: LabCorp Variant Classification Summary - May 2015. Collection method: clinical testing. Allele origin: germline.
Comment: Variant summary: ANOS1 c.1449+1G>A is located in a canonical splice-site and is predicted to affect mRNA splicing resulting in a significantly altered protein due to either exon skipping, shortening, or inclusion of intronic material. Several computational tools predict a significant impact on normal splicing: Four predict the variant abolishes a 5' splicing donor site. However, these predictions have yet to be confirmed by functional studies. The variant was absent in 182953 control chromosomes. c.1449+1G>A has been reported in the literature in hemizygous individuals affected with Hypogonadotropic Hypogonadism or Kallman syndrome (e.g. Aoyama_2017, Dwyer_2023, HyeKim_2023). These data indicate that the variant is likely to be associated with disease. To our knowledge, no experimental evidence demonstrating an impact on protein function has been reported. The following publications have been ascertained in the context of this evaluation (PMID: 28915117, 36268624, 36917044). ClinVar contains an entry for this variant (Variation ID: 658717). Based on the evidence outlined above, the variant was classified as pathogenic.

Labcorp Genetics (formerly Invitae), Labcorp
Classification: Likely pathogenic for Hypogonadotropic hypogonadism 1 with or without anosmia. Last evaluated: 2018-11-27. Review status: criteria provided, single submitter. Criteria: Invitae Variant Classification Sherloc (09022015). Collection method: clinical testing. Allele origin: germline.
Comment: In summary, the currently available evidence indicates that the variant is pathogenic, but additional data are needed to prove that conclusively. Therefore, this variant has been classified as Likely Pathogenic. Donor and acceptor splice site variants typically lead to a loss of protein function (PMID: 16199547), and loss-of-function variants in ANOS1 are known to be pathogenic (PMID: 8504298, 11297579). This variant has been observed in an individual affected with congenital hypogonadotropic hypogonadism (PMID: 28915117). This variant is not present in population databases (ExAC no frequency). This sequence change affects a donor splice site in intron 10 of the ANOS1 gene. It is expected to disrupt RNA splicing and likely results in an absent or disrupted protein product.

Literature cited by the submitters: PubMed 36268624 (cited by Women's Health and Genetics/Laboratory Corporation of America, LabCorp); PubMed 28915117 (cited by Women's Health and Genetics/Laboratory Corporation of America, LabCorp and Labcorp Genetics (formerly Invitae), Labcorp); PubMed 36917044 (cited by Women's Health and Genetics/Laboratory Corporation of America, LabCorp); PubMed 16199547 (cited by Labcorp Genetics (formerly Invitae), Labcorp); PubMed 8504298 (cited by Labcorp Genetics (formerly Invitae), Labcorp); PubMed 11297579 (cited by Labcorp Genetics (formerly Invitae), Labcorp).